The following is an entry in ClinVar:

ClinVar aggregate classification (germline): Uncertain significance (1 of 4 stars; one submission).

Conditions:
TOPORS-related disorder. Also called: TOPORS-related condition.

gnomAD v4.1: 1 of 1,613,604 alleles (0.000062%); highest among the groups gnomAD compares: Non-Finnish European, 0.000085%; no homozygotes.

Submission:

PreventionGenetics, part of Exact Sciences
Classification: Uncertain significance for TOPORS-related condition. Last evaluated: 2025-09-19. Review status: criteria provided, single submitter. Criteria: ACMG Guidelines, 2015. Collection method: clinical testing. Allele origin: germline.
Comment: The TOPORS c.1290G>C variant is predicted to result in the amino acid substitution p.Gln430His. To our knowledge, this variant has not been reported in the literature. This variant is absent in a large population database (gnomAD), indicating this variant is rare. At this time, the clinical significance of this variant is uncertain due to the absence of conclusive functional and genetic evidence.

NM_005802.5(TOPORS):c.1290G>C (p.Gln430His)

Gene: TOPORS (TOP1 binding arginine/serine rich protein, E3 ubiquitin ligase; minus strand). Cytogenetic location: 9p21.1.
Variant type: single nucleotide variant.
Coding change: c.1290G>C on transcript NM_005802.5 (MANE Select); coding-DNA position 1290, G replaced by C.
Protein change: p.Gln430His; replaces glutamine 430 with histidine.
Molecular consequence: missense variant.
Genome position (GRCh38, 1-based): chr9:32,543,235, C>G on the plus strand (G>C on the coding strand, the complement: TOPORS is on the minus strand). VCF-style: chr9-32543235-C-G. GRCh37 (hg19) VCF-style: chr9-32543233-C-G.
Other names: c.1095G>C, p.Gln365His (NM_001195622.2); short protein forms Q365H, Q430H.
Identifiers: ClinVar variation 4980332 (VCV004980332.1).
Genomic context (GRCh38, chr9:32,543,235, plus strand): 5'-GACAAGTTCTTCATCTGAACTGTCAGAAGTATTTAAAAGAGAAGACATAGTAACGTGTAC[C>G]TGCTCTGAGCTTGAGTAAGATGGTCCTGGAGTTTCATCATCCCATGGTGCCTGACTAACA-3'
Protein context (NP_005793.2, residues 420-440): TPGPSYSSSE[Gln430His]VHVTMSSLLN